The following is an entry in ClinVar:

ClinVar aggregate classification (germline): Uncertain significance (1 of 4 stars; one submission).

Conditions:
Hereditary cancer-predisposing syndrome. Also called: Neoplastic Syndromes, Hereditary; Hereditary Cancer Syndrome; Tumor predisposition; Hereditary neoplastic syndrome. Identifiers: Orphanet 140162, MedGen C0027672, MeSH D009386, MONDO:0015356.

Submission:

Ambry Genetics
Classification: Uncertain significance for Hereditary cancer-predisposing syndrome. Last evaluated: 2024-12-16. Review status: criteria provided, single submitter. Criteria: Ambry Variant Classification Scheme 2023. Collection method: clinical testing. Allele origin: germline.
Comment: The p.M103I variant (also known as c.309G>A), located in coding exon 5 of the SMARCE1 gene, results from a G to A substitution at nucleotide position 309. The methionine at codon 103 is replaced by isoleucine, an amino acid with highly similar properties. This amino acid position is conserved. In addition, this alteration is predicted to be deleterious by in silico analysis. Based on the available evidence, the clinical significance of this variant remains unclear.

NM_003079.5(SMARCE1):c.309G>A (p.Met103Ile)

Gene: SMARCE1 (SWI/SNF related BAF chromatin remodeling complex subunit E1; minus strand). Cytogenetic location: 17q21.2.
Variant type: single nucleotide variant.
Coding change: c.309G>A on transcript NM_003079.5 (MANE Select); coding-DNA position 309, G replaced by A.
Protein change: p.Met103Ile; replaces methionine 103 with isoleucine.
Molecular consequence: missense variant.
Genome position (GRCh38, 1-based): chr17:40,636,455, C>T on the plus strand (G>A on the coding strand, the complement: SMARCE1 is on the minus strand). VCF-style: chr17-40636455-C-T. GRCh37 (hg19) VCF-style: chr17-38792707-C-T.
Other names: short protein forms M103I.
Identifiers: ClinVar variation 3799003 (VCV003799003.1).